The following is an entry in ClinVar:

ClinVar aggregate classification (germline): Uncertain significance (1 of 4 stars; one submission).

Submission:

Ambry Genetics
Classification: Uncertain significance. Last evaluated: 2019-08-06. Review status: criteria provided, single submitter. Criteria: Ambry Variant Classification Scheme 2023. Collection method: clinical testing. Allele origin: germline.
Comment: The p.A383T variant (also known as c.1147G>A), located in coding exon 6 of the GALNT12 gene, results from a G to A substitution at nucleotide position 1147. The alanine at codon 383 is replaced by threonine, an amino acid with similar properties. This amino acid position is highly conserved in available vertebrate species. In addition, the in silico prediction for this alteration is inconclusive. Since supporting evidence is limited at this time, the clinical significance of this alteration remains unclear.

NM_024642.5(GALNT12):c.1147G>A (p.Ala383Thr)

Gene: GALNT12 (polypeptide N-acetylgalactosaminyltransferase 12; plus strand). Cytogenetic location: 9q22.33.
Variant type: single nucleotide variant.
Coding change: c.1147G>A on transcript NM_024642.5 (MANE Select); coding-DNA position 1147, G replaced by A.
Protein change: p.Ala383Thr; replaces alanine 383 with threonine.
Molecular consequence: missense variant.
Genome position (GRCh38, 1-based): chr9:98,837,083, G>A. VCF-style: chr9-98837083-G-A. GRCh37 (hg19) VCF-style: chr9-101599365-G-A.
Other names: short protein forms A383T.
Identifiers: ClinVar variation 822257 (VCV000822257.4), dbSNP rs1588453944, ClinGen allele CA374219888.